The following is an entry in ClinVar:

ClinVar aggregate classification (germline): Uncertain significance. Review status: criteria provided, multiple submitters, no conflicts (2 of 4 stars). 2 submissions from 2 submitters: Uncertain significance (2). Last evaluated 2023-10-06.

Conditions:
Classic or attenuated familial adenomatous polyposis. Identifiers: MedGen CN372698, MONDO:0021057.
Familial adenomatous polyposis 1 (FAP1). Also called: POLYPOSIS, ADENOMATOUS INTESTINAL; FAMILIAL ADENOMATOUS POLYPOSIS 1, ATTENUATED. Identifiers: MedGen C2713442, MONDO:0021056, OMIM 175100. Disease mechanism: loss of function.

Submissions (2):

All of Us Research Program, National Institutes of Health
Classification: Uncertain significance for Classic or attenuated familial adenomatous polyposis. Last evaluated: 2023-10-06. Review status: criteria provided, single submitter. Criteria: ACMG Guidelines, 2015. Collection method: clinical testing. Allele origin: germline. Inheritance: Autosomal dominant inheritance. Observed: 1 variant allele, 1 heterozygote.
Comment: This missense variant replaces glutamic acid with glutamine at codon 1831 of the APC protein. Computational prediction suggests that this variant may not impact protein structure and function (internally defined REVEL score threshold <= 0.5, PMID: 27666373). To our knowledge, functional studies have not been reported for this variant. This variant has not been reported in individuals affected with APC-related disorders in the literature. This variant has not been identified in the general population by the Genome Aggregation Database (gnomAD). The available evidence is insufficient to determine the role of this variant in disease conclusively. Therefore, this variant is classified as a Variant of Uncertain Significance.

This study involves interpretation of variants in research participants for the purpose of population health screening. Participant phenotype was not available at the time of variant classification. Additional details can be found in publication PMID: 35346344, PMCID: PMC8962531

Labcorp Genetics (formerly Invitae), Labcorp
Classification: Uncertain significance for Familial adenomatous polyposis 1. Last evaluated: 2022-01-23. Review status: criteria provided, single submitter. Criteria: Invitae Variant Classification Sherloc (09022015). Collection method: clinical testing. Allele origin: germline.
Comment: This sequence change replaces glutamic acid, which is acidic and polar, with glutamine, which is neutral and polar, at codon 1831 of the APC protein (p.Glu1831Gln). This variant is not present in population databases (gnomAD no frequency). This variant has not been reported in the literature in individuals affected with APC-related conditions. ClinVar contains an entry for this variant (Variation ID: 859592). Algorithms developed to predict the effect of missense changes on protein structure and function are either unavailable or do not agree on the potential impact of this missense change (SIFT: "Tolerated"; PolyPhen-2: "Probably Damaging"; Align-GVGD: "Class C0"). In summary, the available evidence is currently insufficient to determine the role of this variant in disease. Therefore, it has been classified as a Variant of Uncertain Significance.

NM_000038.6(APC):c.5491G>C (p.Glu1831Gln)

Gene: APC (APC regulator of Wnt signaling pathway; plus strand). Cytogenetic location: 5q22.2.
Variant type: single nucleotide variant.
Coding change: c.5491G>C on transcript NM_000038.6 (MANE Select); coding-DNA position 5491, G replaced by C.
Protein change: p.Glu1831Gln; replaces glutamic acid 1831 with glutamine.
Molecular consequence: missense variant.
Genome position (GRCh38, 1-based): chr5:112,841,085, G>C. VCF-style: chr5-112841085-G-C. GRCh37 (hg19) VCF-style: chr5-112176782-G-C.
Other names: c.5491G>C, p.Glu1831Gln (NM_001127510.3, NM_001354895.2); c.5437G>C, p.Glu1813Gln (NM_001127511.3); c.5545G>C, p.Glu1849Gln (NM_001354896.2); c.5521G>C, p.Glu1841Gln (NM_001354897.2); c.5416G>C, p.Glu1806Gln (NM_001354898.2); c.5407G>C, p.Glu1803Gln (NM_001354899.2); c.5368G>C, p.Glu1790Gln (NM_001354900.2); c.5314G>C, p.Glu1772Gln (NM_001354901.2); and 5 more; short protein forms E1740Q, E1790Q, E1803Q, E1849Q, E1772Q, E1671Q, E1813Q, E1841Q.
Identifiers: ClinVar variation 859592 (VCV000859592.12), dbSNP rs1554086768, ClinGen allele CA16033345.
Genomic context (GRCh38, chr5:112,841,085, plus strand): 5'-TCAAAGAAACAGAATTTGAAAAATAATTCCAAGGTCTTCAATGATAAGCTCCCAAATAAT[G>C]AAGATAGAGTCAGAGGAAGTTTTGCTTTTGATTCACCTCATCATTACACGCCTATTGAAG-3'
Protein context (NP_000029.2, residues 1821-1841): KVFNDKLPNN[Glu1831Gln]DRVRGSFAFD